The following is an entry in ClinVar:

ClinVar aggregate classification (germline): Uncertain significance (1 of 4 stars; one submission).

Conditions:
Inborn genetic diseases. Identifiers: MedGen C0950123, MeSH D030342.

Submission:

Ambry Genetics
Classification: Uncertain significance for Inborn genetic diseases. Last evaluated: 2024-08-31. Review status: criteria provided, single submitter. Criteria: Ambry Variant Classification Scheme 2023. Collection method: clinical testing. Allele origin: germline.
Comment: The p.T481S variant (also known as c.1441A>T), located in coding exon 10 of the EPAS1 gene, results from an A to T substitution at nucleotide position 1441. The threonine at codon 481 is replaced by serine, an amino acid with similar properties. This amino acid position is conserved. In addition, this alteration is predicted to be tolerated by in silico analysis. Based on the available evidence, the clinical significance of this variant remains unclear.

NM_001430.5(EPAS1):c.1441A>T (p.Thr481Ser)

Gene: EPAS1 (endothelial PAS domain protein 1; plus strand). Cytogenetic location: 2p21.
Variant type: single nucleotide variant.
Coding change: c.1441A>T on transcript NM_001430.5 (MANE Select); coding-DNA position 1441, A replaced by T.
Protein change: p.Thr481Ser; replaces threonine 481 with serine.
Molecular consequence: missense variant.
Genome position (GRCh38, 1-based): chr2:46,378,085, A>T. VCF-style: chr2-46378085-A-T. GRCh37 (hg19) VCF-style: chr2-46605224-A-T.
Other names: short protein forms T481S.
Identifiers: ClinVar variation 3508977 (VCV003508977.1).